The following is an entry in ClinVar:

NM_033305.3(VPS13A):c.9474+518A>G

Gene: VPS13A (vacuolar protein sorting 13 homolog A; plus strand). Cytogenetic location: 9q21.2.
Variant type: single nucleotide variant.
Coding change: c.9474+518A>G on transcript NM_033305.3 (MANE Select); 518 bases into the intron after coding-DNA position 9474, A replaced by G.
Molecular consequence: intron variant.
Genome position (GRCh38, 1-based): chr9:77,408,125, A>G. VCF-style: chr9-77408125-A-G. GRCh37 (hg19) VCF-style: chr9-80023041-A-G.
Other names: c.9357+518A>G (NM_001018037.2).
Identifiers: ClinVar variation 4854258 (VCV004854258.1).

ClinVar aggregate classification (germline): Uncertain significance (1 of 4 stars; one submission).

Conditions:
VPS13A-related neurodegenerative disease. Also called: LEVINE-CRITCHLEY SYNDROME; Choreaacanthocytosis; ACANTHOCYTOSIS WITH NEUROLOGIC DISORDER; Choreoacanthocytosis; Chorea-acanthocytosis; VPS13A Disease. Identifiers: Orphanet 2388, MedGen C0393576, MONDO:0008695, OMIM 200150.

Submission:

3billion
Classification: Uncertain significance for VPS13A-related neurodegenerative disease. Last evaluated: 2025-12-17. Review status: criteria provided, single submitter. Criteria: ACMG Guidelines, 2015. Collection method: clinical testing. Allele origin: germline. Affected: yes.
Comment: The variant is observed at an extremely low frequency in the gnomAD v4.1.0 dataset (total allele frequency: <0.001%). Predicted Consequence/Location: Intron variant In silico tools predict the variant to alter splicing and produce an abnormal transcript [SpliceAI: 0.34 (>=0.2, moderate evidence for spliceogenicity)]. Therefore, this variant is classified as VUS according to the recommendation of ACMG/AMP guideline.